The following is an entry in ClinVar:

ClinVar aggregate classification (germline): Likely benign. Review status: criteria provided, multiple submitters, no conflicts (2 of 4 stars). 3 submissions from 3 submitters: Likely benign (3). Last evaluated 2026-01-26.

Submissions (3):

Labcorp Genetics (formerly Invitae), Labcorp
Classification: Likely benign. Last evaluated: 2026-01-26. Review status: criteria provided, single submitter. Criteria: Invitae Variant Classification Sherloc (09022015). Collection method: clinical testing. Allele origin: germline.

Blueprint Genetics
Classification: Likely benign. Last evaluated: 2024-10-02. Review status: criteria provided, single submitter. Criteria: ACMG Guidelines, 2015. Collection method: clinical testing. Allele origin: germline.

CeGaT Center for Human Genetics Tuebingen
Classification: Likely benign. Last evaluated: 2022-11-01. Review status: criteria provided, single submitter. Criteria: CeGaT Center For Human Genetics Tuebingen Variant Classification Criteria Version 2. Collection method: clinical testing. Allele origin: germline. Affected: yes. Observed: 1 variant allele.
Comment: DMXL2: BS2

NM_001378457.1(DMXL2):c.88-20_88-3dup

Gene: DMXL2 (Dmx like 2; minus strand). Cytogenetic location: 15q21.2.
Variant type: Duplication.
Coding change: c.88-20_88-3dup on transcript NM_001378457.1 (MANE Select); 20 bases into the intron before coding-DNA position 88 through 3 bases into the intron before coding-DNA position 88, 18 bases duplicated (TTTTTTTTTTTTTTTTTT).
Molecular consequence: intron variant.
Genome position (GRCh38, 1-based): chr15:51,576,184-51,576,201, AAAAAAAAAAAAAAAAAA duplicated on the plus strand (TTTTTTTTTTTTTTTTTT on the coding strand, the reverse complement: DMXL2 is on the minus strand); duplicating any 18 consecutive bases within chr15:51,576,184-51,576,203 gives the same sequence; the c. name uses the placement nearest the transcript's 3' end. VCF-style (leftmost placement, unchanged base first): chr15-51576183-T-TAAAAAAAAAAAAAAAAAA. GRCh37 (hg19) VCF-style: chr15-51868380-T-TAAAAAAAAAAAAAAAAAA.
Other names: c.88-20_88-3dup (NM_001378460.1, NM_001174117.3, NM_015263.5 and 7 more transcripts).
Identifiers: ClinVar variation 1656358 (VCV001656358.33), dbSNP rs3078066, ClinGen allele CA713625976.